The following is an entry in ClinVar:

ClinVar aggregate classification (germline): Uncertain significance. Review status: criteria provided, multiple submitters, no conflicts (2 of 4 stars). 2 submissions from 2 submitters: Uncertain significance (2). Last evaluated 2025-05-09.

Allele frequency attached by ClinVar (database versions not stated): TOPMed below 0.00001; gnomAD exomes 0.00001; ExAC 0.00002.
gnomAD v4.1: 3 of 1,613,150 alleles (0.00019%); highest among the groups gnomAD compares: Admixed American, 0.005%; no homozygotes.

Submissions (2):

Ambry Genetics
Classification: Uncertain significance. Last evaluated: 2025-05-09. Review status: criteria provided, single submitter. Criteria: Ambry Variant Classification Scheme 2023. Collection method: clinical testing. Allele origin: germline.
Comment: The p.G436E variant (also known as c.1307G>A), located in coding exon 10 of the RECQL gene, results from a G to A substitution at nucleotide position 1307. The glycine at codon 436 is replaced by glutamic acid, an amino acid with similar properties. This amino acid position is conserved. In addition, the in silico prediction for this alteration is inconclusive. Since supporting evidence is limited at this time, the clinical significance of this alteration remains unclear.

Labcorp Genetics (formerly Invitae), Labcorp
Classification: Uncertain significance. Last evaluated: 2022-10-27. Review status: criteria provided, single submitter. Criteria: Invitae Variant Classification Sherloc (09022015). Collection method: clinical testing. Allele origin: germline.
Comment: This sequence change replaces glycine, which is neutral and non-polar, with glutamic acid, which is acidic and polar, at codon 436 of the RECQL protein (p.Gly436Glu). This variant is present in population databases (rs776706951, gnomAD 0.009%). This variant has not been reported in the literature in individuals affected with RECQL-related conditions. In summary, the available evidence is currently insufficient to determine the role of this variant in disease. Therefore, it has been classified as a Variant of Uncertain Significance. Advanced modeling of protein sequence and biophysical properties (such as structural, functional, and spatial information, amino acid conservation, physicochemical variation, residue mobility, and thermodynamic stability) performed at Invitae indicates that this missense variant is not expected to disrupt RECQL protein function.

NM_002907.4(RECQL):c.1307G>A (p.Gly436Glu)

Gene: RECQL (RecQ like helicase; minus strand). Cytogenetic location: 12p12.1.
Variant type: single nucleotide variant.
Coding change: c.1307G>A on transcript NM_002907.4 (MANE Select); coding-DNA position 1307, G replaced by A.
Protein change: p.Gly436Glu; replaces glycine 436 with glutamic acid.
Molecular consequence: missense variant.
Genome position (GRCh38, 1-based): chr12:21,474,889, C>T on the plus strand (G>A on the coding strand, the complement: RECQL is on the minus strand). VCF-style: chr12-21474889-C-T. GRCh37 (hg19) VCF-style: chr12-21627823-C-T.
Other names: c.1307G>A, p.Gly436Glu (NM_032941.3); short protein forms G436E.
Identifiers: ClinVar variation 2562120 (VCV002562120.6), dbSNP rs776706951, ClinGen allele CA6478796.
Genomic context (GRCh38, chr12:21,474,889, plus strand): 5'-TATGTGGCTTACTTGCTTATGTTTTGACAGTATGATACCATCTCATAAAGCTTCTGCTGT[C>T]CCACATTTTCCATCACCACCATTGAACTTATTCTGAATATATCTCCAAAGCCGTAGTACA-3'
Protein context (NP_002898.2, residues 426-446): ISSMVVMENV[Gly436Glu]QQKLYEMVSY